The following is an entry in ClinVar:

ClinVar aggregate classification (germline): Uncertain significance (1 of 4 stars; one submission).

Conditions:
Combined oxidative phosphorylation defect type 17. Also called: Combined oxidative phosphorylation deficiency 17. Identifiers: Orphanet 369913, MedGen C3809526, MONDO:0014190, OMIM 615440.

Allele frequency attached by ClinVar (database versions not stated): TOPMed 0.00001; gnomAD exomes 0.00002; ExAC 0.00003.
gnomAD v4.1: 11 of 1,613,914 alleles (0.00068%); highest among the groups gnomAD compares: Admixed American, 0.0083%; no homozygotes.

Submission:

Labcorp Genetics (formerly Invitae), Labcorp
Classification: Uncertain significance for Combined oxidative phosphorylation defect type 17. Last evaluated: 2021-11-22. Review status: criteria provided, single submitter. Criteria: Invitae Variant Classification Sherloc (09022015). Collection method: clinical testing. Allele origin: germline.
Comment: In summary, the available evidence is currently insufficient to determine the role of this variant in disease. Therefore, it has been classified as a Variant of Uncertain Significance. Algorithms developed to predict the effect of missense changes on protein structure and function output the following: SIFT: "Tolerated"; PolyPhen-2: "Benign"; Align-GVGD: "Class C0". The serine amino acid residue is found in multiple mammalian species, which suggests that this missense change does not adversely affect protein function. This variant has not been reported in the literature in individuals affected with ELAC2-related conditions. This variant is present in population databases (rs770299965, gnomAD 0.009%). This sequence change replaces threonine, which is neutral and polar, with serine, which is neutral and polar, at codon 538 of the ELAC2 protein (p.Thr538Ser).

NM_018127.7(ELAC2):c.1613C>G (p.Thr538Ser)

Gene: ELAC2 (elaC ribonuclease Z 2; minus strand). Cytogenetic location: 17p12.
Variant type: single nucleotide variant.
Coding change: c.1613C>G on transcript NM_018127.7 (MANE Select); coding-DNA position 1613, C replaced by G.
Protein change: p.Thr538Ser; replaces threonine 538 with serine.
Molecular consequence: missense variant.
Genome position (GRCh38, 1-based): chr17:12,996,593, G>C on the plus strand (C>G on the coding strand, the complement: ELAC2 is on the minus strand). VCF-style: chr17-12996593-G-C. GRCh37 (hg19) VCF-style: chr17-12899910-G-C.
Other names: c.1493C>G, p.Thr498Ser (NM_001165962.2); c.1610C>G, p.Thr537Ser (NM_173717.2); short protein forms T538S, T498S, T537S.
Identifiers: ClinVar variation 1493015 (VCV001493015.5), dbSNP rs770299965, ClinGen allele CA8401140.